The following is an entry in ClinVar:

ClinVar aggregate classification (germline): Uncertain significance. Review status: criteria provided, multiple submitters, no conflicts (2 of 4 stars). 2 submissions from 2 submitters: Uncertain significance (2). Last evaluated 2025-03-29.

Conditions:
Inborn genetic diseases. Identifiers: MedGen C0950123, MeSH D030342.

Allele frequency attached by ClinVar (database versions not stated): TOPMed 0.00006; 1000 Genomes Project 30x 0.00016; 1000 Genomes Project 0.00020; ExAC 0.00009; gnomAD exomes 0.00014; gnomAD 0.00007; ESP Exome Variant Server 0.00008.

Submissions (2):

Labcorp Genetics (formerly Invitae), Labcorp
Classification: Uncertain significance. Last evaluated: 2025-03-29. Review status: criteria provided, single submitter. Criteria: Invitae Variant Classification Sherloc (09022015). Collection method: clinical testing. Allele origin: germline.
Comment: This sequence change replaces lysine, which is basic and polar, with threonine, which is neutral and polar, at codon 1076 of the DHX37 protein (p.Lys1076Thr). This variant is present in population databases (rs116092368, gnomAD 0.02%). This variant has not been reported in the literature in individuals affected with DHX37-related conditions. ClinVar contains an entry for this variant (Variation ID: 2358901). An algorithm developed to predict the effect of missense changes on protein structure and function outputs the following: PolyPhen-2: "Benign". The threonine amino acid residue is found in multiple mammalian species, which suggests that this missense change does not adversely affect protein function. In summary, the available evidence is currently insufficient to determine the role of this variant in disease. Therefore, it has been classified as a Variant of Uncertain Significance.

Ambry Genetics
Classification: Uncertain significance for Inborn genetic diseases. Last evaluated: 2024-10-09. Review status: criteria provided, single submitter. Criteria: Ambry Variant Classification Scheme 2023. Collection method: clinical testing. Allele origin: germline.

NM_032656.4(DHX37):c.3227A>C (p.Lys1076Thr)

Gene: DHX37 (DEAH-box helicase 37; minus strand). Cytogenetic location: 12q24.31.
Variant type: single nucleotide variant.
Coding change: c.3227A>C on transcript NM_032656.4 (MANE Select); coding-DNA position 3227, A replaced by C.
Protein change: p.Lys1076Thr; replaces lysine 1076 with threonine.
Molecular consequence: missense variant.
Genome position (GRCh38, 1-based): chr12:124,950,049, T>G on the plus strand (A>C on the coding strand, the complement: DHX37 is on the minus strand). VCF-style: chr12-124950049-T-G. GRCh37 (hg19) VCF-style: chr12-125434595-T-G.
Other names: short protein forms K1076T.
Identifiers: ClinVar variation 2358901 (VCV002358901.4), dbSNP rs116092368, ClinGen allele CA6871292.